The following is an entry in ClinVar:

ClinVar aggregate classification (germline): Benign. Review status: criteria provided, single submitter (1 of 4 stars). 2 submissions from 2 submitters: Benign (1). 1 of the submissions does not count toward it. Last evaluated 2025-10-27.

Conditions:
RNF213-related disorder. Also called: RNF213-related condition.

Allele frequency attached by ClinVar (database versions not stated): gnomAD exomes 0.00003; gnomAD 0.00005; TOPMed 0.00007.
gnomAD v4.1: 54 of 1,536,932 alleles (0.0035%); highest among the groups gnomAD compares: Middle Eastern, 0.017%; no homozygotes.

Submissions (2):

Labcorp Genetics (formerly Invitae), Labcorp
Classification: Benign. Last evaluated: 2025-10-27. Review status: criteria provided, single submitter. Criteria: Invitae Variant Classification Sherloc (09022015). Collection method: clinical testing. Allele origin: germline.

PreventionGenetics, part of Exact Sciences
Classification: Likely benign for RNF213-related condition. Last evaluated: 2023-04-14. Review status: no assertion criteria provided. Collection method: clinical testing. Allele origin: germline. Not counted in ClinVar's aggregate classification.
Comment: This variant is classified as likely benign based on ACMG/AMP sequence variant interpretation guidelines (Richards et al. 2015 PMID: 25741868, with internal and published modifications).

NM_001256071.3(RNF213):c.3498C>T (p.Asn1166=)

Gene: RNF213 (ring finger protein 213; plus strand). Cytogenetic location: 17q25.3.
Variant type: single nucleotide variant.
Coding change: c.3498C>T on transcript NM_001256071.3 (MANE Select); coding-DNA position 3498, C replaced by T.
Protein change: p.Asn1166=; no amino-acid change (asparagine 1166 retained).
Molecular consequence: synonymous variant.
Genome position (GRCh38, 1-based): chr17:80,328,458, C>T. VCF-style: chr17-80328458-C-T. GRCh37 (hg19) VCF-style: chr17-78302258-C-T.
Other names: c.3645C>T, p.Asn1215= (NM_001410195.1, NM_020914.5).
Identifiers: ClinVar variation 3047004 (VCV003047004.3), dbSNP rs951370818, ClinGen allele CA294908089.